The following is an entry in ClinVar:

ClinVar aggregate classification (germline): Conflicting classifications of pathogenicity. Review status: criteria provided, conflicting classifications (1 of 4 stars). 4 submissions from 4 submitters: Uncertain significance (3); Likely benign (1). Last evaluated 2026-01-04.

Conditions:
Bardet-Biedl syndrome 20. Identifiers: MedGen C4310707, MONDO:0023670, OMIM 619471, MONDO:0014926.
Short-rib thoracic dysplasia 10 with or without polydactyly (SRTD10). Identifiers: Orphanet 474, MedGen C3810175, MONDO:0014284, OMIM 615630.
Retinitis pigmentosa 71 (RP71). Identifiers: Orphanet 791, MedGen C4225342, MONDO:0014618, OMIM 616394.
IFT172-related disorder. Also called: IFT172-related disorders; IFT172-related condition.

Allele frequency attached by ClinVar (database versions not stated): gnomAD 0.00005; ESP Exome Variant Server 0.00015; 1000 Genomes Project 30x 0.00016; 1000 Genomes Project 0.00020; gnomAD exomes 0.00002; TOPMed 0.00002; ExAC 0.00003.
gnomAD v4.1: 19 of 1,610,102 alleles (0.0012%); highest among the groups gnomAD compares: African/African-American, 0.02%; no homozygotes.

Submissions (4):

Labcorp Genetics (formerly Invitae), Labcorp
Classification: Likely benign for Retinitis pigmentosa 71; Short-rib thoracic dysplasia 10 with or without polydactyly. Last evaluated: 2026-01-04. Review status: criteria provided, single submitter. Criteria: Invitae Variant Classification Sherloc (09022015). Collection method: clinical testing. Allele origin: germline.

PreventionGenetics, part of Exact Sciences
Classification: Uncertain significance for IFT172-related condition. Last evaluated: 2025-05-16. Review status: criteria provided, single submitter. Criteria: ACMG Guidelines, 2015. Collection method: clinical testing. Allele origin: germline.
Comment: The IFT172 c.4448G>A variant is predicted to result in the amino acid substitution p.Arg1483Lys. To our knowledge, this variant has not been reported in the literature. This variant is reported in 0.020% of alleles in individuals of African descent in gnomAD. At this time, the clinical significance of this variant is uncertain due to the absence of conclusive functional and genetic evidence.

GeneDx
Classification: Uncertain significance. Last evaluated: 2024-09-30. Review status: criteria provided, single submitter. Criteria: GeneDx Variant Classification Process June 2021. Collection method: clinical testing. Allele origin: germline. Affected: yes.
Comment: In silico analysis indicates that this missense variant does not alter protein structure/function; Has not been previously published as pathogenic or benign to our knowledge

Fulgent Genetics
Classification: Uncertain significance for Short-rib thoracic dysplasia 10 with or without polydactyly; Retinitis pigmentosa 71; Bardet-Biedl syndrome 20. Last evaluated: 2024-02-19. Review status: criteria provided, single submitter. Criteria: ACMG Guidelines, 2015. Collection method: clinical testing. Allele origin: germline.

NM_015662.3(IFT172):c.4448G>A (p.Arg1483Lys)

Gene: IFT172 (intraflagellar transport 172; minus strand). Cytogenetic location: 2p23.3.
Variant type: single nucleotide variant.
Coding change: c.4448G>A on transcript NM_015662.3 (MANE Select); coding-DNA position 4448, G replaced by A.
Protein change: p.Arg1483Lys; replaces arginine 1483 with lysine.
Molecular consequence: missense variant.
Genome position (GRCh38, 1-based): chr2:27,447,903, C>T on the plus strand (G>A on the coding strand, the complement: IFT172 is on the minus strand). VCF-style: chr2-27447903-C-T. GRCh37 (hg19) VCF-style: chr2-27670770-C-T.
Other names: c.4448G>A (NM_015662.2); short protein forms R1483K.
Identifiers: ClinVar variation 1448263 (VCV001448263.12), dbSNP rs201356906, ClinGen allele CA1579602.